The following is an entry in ClinVar:

NM_000199.5(SGSH):c.402dup (p.Asp135Ter)

Gene: SGSH (N-sulfoglucosamine sulfohydrolase; minus strand). Cytogenetic location: 17q25.3.
Variant type: Duplication.
Coding change: c.402dup on transcript NM_000199.5 (MANE Select); coding-DNA position 402, one base duplicated (T; older notation c.402dupT).
Protein change: p.Asp135Ter; replaces aspartic acid 135 with a stop codon.
Molecular consequence: nonsense. On other transcripts: non-coding transcript variant (1).
Genome position (GRCh38, 1-based): chr17:80,214,719, A duplicated on the plus strand (T on the coding strand, the reverse complement: SGSH is on the minus strand); the first of 3 consecutive A bases (chr17:80,214,719-80,214,721); duplicating any one gives the same sequence. VCF-style (leftmost placement, unchanged base first): chr17-80214718-C-CA. GRCh37 (hg19) VCF-style: chr17-78188517-C-CA.
Other names: c.402dup, p.Asp135Ter (NM_001352921.3, NM_001352922.2); short protein forms D135*.
Identifiers: ClinVar variation 646114 (VCV000646114.6), dbSNP rs1598749984, ClinGen allele CA915952230.

ClinVar aggregate classification (germline): Pathogenic (1 of 4 stars; one submission).

Conditions:
Mucopolysaccharidosis, MPS-III-A (MPS3A). Also called: Mucopolysaccharidosis, type IIIA; MPS IIIA (Sanfilippo Syndrome Type A); MPS III A; SANFILIPPO SYNDROME A; SULFAMIDASE DEFICIENCY; Mucopolysaccharidosis type IIIA (Sanfilippo A). Identifiers: Orphanet 581, Orphanet 79269, MedGen C0086647, MONDO:0009655, OMIM 252900.

Submission:

Labcorp Genetics (formerly Invitae), Labcorp
Classification: Pathogenic for Mucopolysaccharidosis, MPS-III-A. Last evaluated: 2020-10-07. Review status: criteria provided, single submitter. Criteria: Invitae Variant Classification Sherloc (09022015). Collection method: clinical testing. Allele origin: germline.
Comment: This variant has not been reported in the literature in individuals with SGSH-related conditions. ClinVar contains an entry for this variant (Variation ID: 646114). For these reasons, this variant has been classified as Pathogenic. This variant is not present in population databases (ExAC no frequency). This sequence change creates a premature translational stop signal (p.Asp135*) in the SGSH gene. It is expected to result in an absent or disrupted protein product. Loss-of-function variants in SGSH are known to be pathogenic (PMID: 11182930, 21204211, 22976768).

Literature cited by the submitters: PubMed 11182930; PubMed 21204211; PubMed 22976768.